The following is an entry in ClinVar:

ClinVar aggregate classification (germline): Uncertain significance (1 of 4 stars; one submission).

Conditions:
Epilepsy, childhood absence, susceptibility to, 1. Also called: Epilepsy, childhood absence 1. Identifiers: Orphanet 64280, MedGen C1838604, MONDO:0020759, OMIM 600131.
Epilepsy, childhood absence, susceptibility to, 5. Identifiers: Orphanet 64280, MedGen C2677087, MONDO:0012843, OMIM 612269.

Submission:

Labcorp Genetics (formerly Invitae), Labcorp
Classification: Uncertain significance for Epilepsy, childhood absence, susceptibility to, 5; Epilepsy, childhood absence, susceptibility to, 1. Last evaluated: 2024-05-07. Review status: criteria provided, single submitter. Criteria: Invitae Variant Classification Sherloc (09022015). Collection method: clinical testing. Allele origin: germline.
Comment: This sequence change replaces threonine, which is neutral and polar, with proline, which is neutral and non-polar, at codon 426 of the GABRB3 protein (p.Thr426Pro). This variant is not present in population databases (gnomAD no frequency). This variant has not been reported in the literature in individuals affected with GABRB3-related conditions. Advanced modeling of protein sequence and biophysical properties (such as structural, functional, and spatial information, amino acid conservation, physicochemical variation, residue mobility, and thermodynamic stability) performed at Invitae indicates that this missense variant is not expected to disrupt GABRB3 protein function with a negative predictive value of 95%. In summary, the available evidence is currently insufficient to determine the role of this variant in disease. Therefore, it has been classified as a Variant of Uncertain Significance.

NM_000814.6(GABRB3):c.1276A>C (p.Thr426Pro)

Gene: GABRB3 (gamma-aminobutyric acid type A receptor subunit beta3; minus strand). Cytogenetic location: 15q12.
Variant type: single nucleotide variant.
Coding change: c.1276A>C on transcript NM_000814.6 (MANE Select); coding-DNA position 1276, A replaced by C.
Protein change: p.Thr426Pro; replaces threonine 426 with proline.
Molecular consequence: missense variant.
Genome position (GRCh38, 1-based): chr15:26,547,939, T>G on the plus strand (A>C on the coding strand, the complement: GABRB3 is on the minus strand). VCF-style: chr15-26547939-T-G. GRCh37 (hg19) VCF-style: chr15-26793086-T-G.
Other names: c.1021A>C, p.Thr341Pro (NM_001191320.2, NM_001278631.2); c.1063A>C, p.Thr355Pro (NM_001191321.3); c.1276A>C, p.Thr426Pro (NM_021912.5); short protein forms T355P, T341P, T426P.
Identifiers: ClinVar variation 2923246 (VCV002923246.3), dbSNP rs1889317299, ClinGen allele CA391458712.
Genomic context (GRCh38, chr15:26,547,939, plus strand): 5'-TCACATCGGTTAGATCAGGTATTTTAATTTTGAGCTGTGAAGACCTCCTCCGTAGATGGG[T>G]CTTCTTGTGCGGGAGGCTTCTGTCCCCCAGGAATCGCCCATGCCCTTCTCGAGGCATGCT-3'
Protein context (NP_000805.1, residues 416-436): LGDRSLPHKK[Thr426Pro]HLRRRSSQLK